The following is an entry in ClinVar:

ClinVar aggregate classification (germline): Pathogenic. Review status: criteria provided, multiple submitters, no conflicts (2 of 4 stars). 3 submissions from 3 submitters: Pathogenic (2). 1 of the submissions does not count toward it. Last evaluated 2023-07-16.

Conditions:
Autosomal recessive nonsyndromic hearing loss 22. Identifiers: Orphanet 90636, MedGen C1846896, MONDO:0011762, OMIM 607039.

Allele frequency attached by ClinVar (database versions not stated): gnomAD exomes below 0.00001.
gnomAD v4.1: 3 of 1,609,320 alleles (0.00019%); highest among the groups gnomAD compares: Non-Finnish European, 0.00025%; no homozygotes.

Submissions (3):

Labcorp Genetics (formerly Invitae), Labcorp
Classification: Pathogenic. Last evaluated: 2023-07-16. Review status: criteria provided, single submitter. Criteria: Invitae Variant Classification Sherloc (09022015). Collection method: clinical testing. Allele origin: germline.
Comment: For these reasons, this variant has been classified as Pathogenic. Studies have shown that disruption of this splice site is associated with altered splicing resulting in multiple RNA products (PMID: 30740825). ClinVar contains an entry for this variant (Variation ID: 3560). This variant is also known as IVS12+2T>C. Disruption of this splice site has been observed in individual(s) with prelingual deafness (PMID: 11972037). It has also been observed to segregate with disease in related individuals. This variant is not present in population databases (gnomAD no frequency). This sequence change affects a donor splice site in intron 12 of the OTOA gene. It is expected to disrupt RNA splicing. Variants that disrupt the donor or acceptor splice site typically lead to a loss of protein function (PMID: 16199547), and loss-of-function variants in OTOA are known to be pathogenic (PMID: 11972037).

Mendelics
Classification: Pathogenic for Autosomal recessive nonsyndromic hearing loss 22. Last evaluated: 2019-05-28. Review status: criteria provided, single submitter. Criteria: Mendelics Assertion Criteria 2017. Collection method: clinical testing. Allele origin: unknown.

OMIM
Classification: Pathogenic for DEAFNESS, AUTOSOMAL RECESSIVE 22. Last evaluated: 2002-04-30. Review status: no assertion criteria provided. Collection method: literature only. Allele origin: germline. Not counted in ClinVar's aggregate classification.

Literature cited by the submitters: PubMed 30740825 (cited by Labcorp Genetics (formerly Invitae), Labcorp); PubMed 11972037 (cited by Labcorp Genetics (formerly Invitae), Labcorp and OMIM); PubMed 16199547 (cited by Labcorp Genetics (formerly Invitae), Labcorp).

NM_144672.4(OTOA):c.1320+2T>C

Gene: OTOA (otoancorin). Cytogenetic location: 16p12.2.
Variant type: single nucleotide variant.
Coding change: c.1320+2T>C on transcript NM_144672.4 (MANE Select); the canonical splice donor site of the intron after coding-DNA position 1320, T replaced by C.
Molecular consequence: splice donor variant.
Genome position (GRCh38, 1-based): chr16:21,710,105, T>C. VCF-style: chr16-21710105-T-C. GRCh37 (hg19) VCF-style: chr16-21721426-T-C.
Other names: IVS12DS, T-C, +2; c.1083+2T>C (NM_001161683.2); c.348+2T>C (NM_170664.3).
Identifiers: ClinVar variation 3560 (VCV000003560.5), dbSNP rs1567381218, ClinGen allele CA395062780.